The following is an entry in ClinVar:

NM_018116.4(MSTO1):c.1388G>A (p.Ser463Asn)

Gene: MSTO1 (misato mitochondrial distribution and morphology regulator 1; plus strand). Cytogenetic location: 1q22.
Variant type: single nucleotide variant.
Coding change: c.1388G>A on transcript NM_018116.4 (MANE Select); coding-DNA position 1388, G replaced by A.
Protein change: p.Ser463Asn; replaces serine 463 with asparagine.
Molecular consequence: missense variant. On other transcripts: synonymous variant (3), non-coding transcript variant (6).
Genome position (GRCh38, 1-based): chr1:155,613,566, G>A. VCF-style: chr1-155613566-G-A. GRCh37 (hg19) VCF-style: chr1-155583357-G-A.
Other names: c.1388G>A, p.Ser463Asn (NM_001256532.1, NM_001256533.1, NM_001350772.1 and 1 more transcripts); c.1425G>A, p.Glu475= (NM_001350773.1, NM_001350774.1); c.1223G>A, p.Ser408Asn (NM_001350776.1); c.857G>A, p.Ser286Asn (NM_001350777.1, NM_001350778.1, NM_001350779.1); c.854G>A, p.Ser285Asn (NM_001350780.1, NM_001350781.1, NM_001350782.1 and 2 more transcripts); c.845G>A, p.Ser282Asn (NM_001350784.1, NM_001350785.1, NM_001350787.1 and 1 more transcripts); c.891G>A, p.Glu297= (NM_001350786.1); short protein forms S282N, S285N, S286N, S408N, S463N.
Identifiers: ClinVar variation 3339372 (VCV003339372.1).
Genomic context (GRCh38, chr1:155,613,566, plus strand): 5'-GTACCACTGGGGAAGAAATCTTGGCTCAGTATTTACAACAGCAGCAGCCTGGAGTCATGA[G>A]GTCAGTGTAACGGTTGCTCCTGCCCTTCTTGCCAACCGCAACCCTCCCTTGACTTCTTAC-3'
Protein context (NP_060586.2, residues 453-473): YLQQQQPGVM[Ser463Asn]SSHLLLTPCR

ClinVar aggregate classification (germline): Uncertain significance (1 of 4 stars; one submission).

Submission:

Women's Health and Genetics/Laboratory Corporation of America, LabCorp
Classification: Uncertain significance. Last evaluated: 2024-07-23. Review status: criteria provided, single submitter. Criteria: LabCorp Variant Classification Summary - May 2015. Collection method: clinical testing. Allele origin: germline.
Comment: Variant summary: MSTO1 c.1388G>A (p.Ser463Asn) results in a conservative amino acid change in the encoded protein sequence. Four of five in-silico tools predict a benign effect of the variant on protein function. Several computational tools predict a significant impact on normal splicing: Two predict the variant abolishes a 5' splicing donor site. Two predict the variant weakens a 5' donor site. However, these predictions have yet to be confirmed by functional studies. The variant was absent in 236348 control chromosomes. The available data on variant occurrences in the general population are insufficient to allow any conclusion about variant significance. To our knowledge, no occurrence of c.1388G>A in individuals affected with Mitochondrial Myopathy-Cerebellar Ataxia-Pigmentary Retinopathy Syndrome and no experimental evidence demonstrating its impact on protein function have been reported. No submitters have cited clinical-significance assessments for this variant to ClinVar. Based on the evidence outlined above, the variant was classified as uncertain significance.